The following is an entry in ClinVar:

ClinVar aggregate classification (germline): Uncertain significance (1 of 4 stars; one submission).

Conditions:
Early-infantile DEE. Also called: Ohtahara syndrome; Early infantile epileptic encephalopathy; Early infantile epileptic encephalopathy with suppression bursts. Identifiers: Orphanet 1934, MedGen C0393706, MONDO:0800491.

Submission:

Labcorp Genetics (formerly Invitae), Labcorp
Classification: Uncertain significance for Early-infantile DEE. Last evaluated: 2025-12-06. Review status: criteria provided, single submitter. Criteria: Invitae Variant Classification Sherloc (09022015). Collection method: clinical testing. Allele origin: germline.
Comment: This variant, c.516_527del, results in the deletion of 4 amino acid(s) of the CACNA2D2 protein (p.Asp172_Ser175del), but otherwise preserves the integrity of the reading frame. This variant is present in population databases (rs757552194, gnomAD 0.05%). This variant has not been reported in the literature in individuals affected with CACNA2D2-related conditions. ClinVar contains an entry for this variant (Variation ID: 568675). Experimental studies and prediction algorithms are not available or were not evaluated, and the functional significance of this variant is currently unknown. In summary, the available evidence is currently insufficient to determine the role of this variant in disease. Therefore, it has been classified as a Variant of Uncertain Significance.

NM_006030.4(CACNA2D2):c.516_527del (p.Asp172_Ser175del)

Gene: CACNA2D2 (calcium voltage-gated channel auxiliary subunit alpha2delta 2; minus strand). Cytogenetic location: 3p21.31.
Variant type: Deletion.
Coding change: c.516_527del on transcript NM_006030.4 (MANE Select); coding-DNA positions 516 to 527, 12 bases deleted (CCCTGAGAGTGA).
Protein change: p.Asp172_Ser175del.
Molecular consequence: inframe deletion.
Genome position (GRCh38, 1-based): chr3:50,384,321-50,384,332, TCACTCTCAGGG deleted on the plus strand (CCCTGAGAGTGA on the coding strand, the reverse complement: CACNA2D2 is on the minus strand); deleting any 12 consecutive bases within chr3:50,384,321-50,384,334 gives the same sequence; the c. name uses the placement nearest the transcript's 3' end. VCF-style (leftmost placement, unchanged base first): chr3-50384320-CTCACTCTCAGGG-C. GRCh37 (hg19) VCF-style: chr3-50421751-CTCACTCTCAGGG-C.
Other names: c.516_527del, p.Asp172_Ser175del (NM_001005505.3, NM_001174051.3); c.309_320del, p.Asp103_Ser106del (NM_001291101.1); c.516_527del (NM_006030.3).
Identifiers: ClinVar variation 568675 (VCV000568675.9), dbSNP rs757552194, ClinGen allele CA2419149.
Genomic context (GRCh38, chr3:50,384,320, plus strand): 5'-GTTTGGGTCCTCGATGAAGTCCAGCCTTAGGGTGCTGGCCTTAGACCCCCTTTCCACATC[CTCACTCTCAGGG>C]TCGTCCTGCAGAAAGGGCACCCCCGAGCAATGTCAGGGCTGGAAAATGGTGAATTGGGTT-3'